The following is an entry in ClinVar:

NM_145046.5(CALR3):c.113T>G (p.Leu38Trp)

Gene: CALR3 (calreticulin 3; minus strand). Cytogenetic location: 19p13.11.
Variant type: single nucleotide variant.
Coding change: c.113T>G on transcript NM_145046.5 (MANE Select); coding-DNA position 113, T replaced by G.
Protein change: p.Leu38Trp; replaces leucine 38 with tryptophan.
Molecular consequence: missense variant.
Genome position (GRCh38, 1-based): chr19:16,495,831, A>C on the plus strand (T>G on the coding strand, the complement: CALR3 is on the minus strand). VCF-style: chr19-16495831-A-C. GRCh37 (hg19) VCF-style: chr19-16606642-A-C.
Other names: c.113T>G (NM_145046.3); short protein forms L38W.
Identifiers: ClinVar variation 1468869 (VCV001468869.7), dbSNP rs780211279, ClinGen allele CA9278507.

ClinVar aggregate classification (germline): Uncertain significance. Review status: criteria provided, multiple submitters, no conflicts (2 of 4 stars). 2 submissions from 2 submitters: Uncertain significance (2). Last evaluated 2021-10-28.

Conditions:
Hypertrophic cardiomyopathy 19. Also called: Familial hypertrophic cardiomyopathy 19. Identifiers: MedGen CN077603, MONDO:0013476.

Allele frequency attached by ClinVar (database versions not stated): gnomAD exomes 0.00001; ExAC 0.00002.
gnomAD v4.1: 3 of 1,614,140 alleles (0.00019%); highest among the groups gnomAD compares: Admixed American, 0.0033%; no homozygotes.

Submissions (2):

Labcorp Genetics (formerly Invitae), Labcorp
Classification: Uncertain significance for Hypertrophic cardiomyopathy 19. Last evaluated: 2021-10-28. Review status: criteria provided, single submitter. Criteria: Invitae Variant Classification Sherloc (09022015). Collection method: clinical testing. Allele origin: germline.
Comment: This sequence change replaces leucine, which is neutral and non-polar, with tryptophan, which is neutral and slightly polar, at codon 38 of the CALR3 protein (p.Leu38Trp). In summary, the available evidence is currently insufficient to determine the role of this variant in disease. Therefore, it has been classified as a Variant of Uncertain Significance. Algorithms developed to predict the effect of missense changes on protein structure and function are either unavailable or do not agree on the potential impact of this missense change (SIFT: "Deleterious"; PolyPhen-2: "Probably Damaging"; Align-GVGD: "Class C0"). This variant has not been reported in the literature in individuals affected with CALR3-related conditions. This variant is present in population databases (rs780211279, gnomAD 0.006%).

Ambry Genetics
Classification: Uncertain significance. Last evaluated: 2021-07-06. Review status: criteria provided, single submitter. Criteria: Ambry Variant Classification Scheme 2023. Collection method: clinical testing. Allele origin: germline.